The following is an entry in ClinVar:

NM_001031689.3(PLAA):c.467C>T (p.Ala156Val)

Gene: PLAA (phospholipase A2 activating protein; minus strand). Cytogenetic location: 9p21.2.
Variant type: single nucleotide variant.
Coding change: c.467C>T on transcript NM_001031689.3 (MANE Select); coding-DNA position 467, C replaced by T.
Protein change: p.Ala156Val; replaces alanine 156 with valine.
Molecular consequence: missense variant.
Genome position (GRCh38, 1-based): chr9:26,928,198, G>A on the plus strand (C>T on the coding strand, the complement: PLAA is on the minus strand). VCF-style: chr9-26928198-G-A. GRCh37 (hg19) VCF-style: chr9-26928196-G-A.
Other names: c.467C>T, p.Ala156Val (NM_001321546.2); short protein forms A156V.
Identifiers: ClinVar variation 1420430 (VCV001420430.7), dbSNP rs566272935, ClinGen allele CA5014619.

ClinVar aggregate classification (germline): Uncertain significance. Review status: criteria provided, multiple submitters, no conflicts (2 of 4 stars). 2 submissions from 2 submitters: Uncertain significance (2). Last evaluated 2022-05-27.

Allele frequency attached by ClinVar (database versions not stated): TOPMed below 0.00001; gnomAD 0.00001; gnomAD exomes 0.00001; ExAC 0.00002; 1000 Genomes Project 30x 0.00016; 1000 Genomes Project 0.00020.
gnomAD v4.1: 10 of 1,614,002 alleles (0.00062%); highest among the groups gnomAD compares: South Asian, 0.0044%; no homozygotes.

Submissions (2):

Blueprint Genetics
Classification: Uncertain significance. Last evaluated: 2022-05-27. Review status: criteria provided, single submitter. Criteria: ACMG Guidelines, 2015. Collection method: clinical testing. Allele origin: germline.

Labcorp Genetics (formerly Invitae), Labcorp
Classification: Uncertain significance. Last evaluated: 2021-10-20. Review status: criteria provided, single submitter. Criteria: Invitae Variant Classification Sherloc (09022015). Collection method: clinical testing. Allele origin: germline.
Comment: Algorithms developed to predict the effect of missense changes on protein structure and function are either unavailable or do not agree on the potential impact of this missense change (SIFT: "Tolerated"; PolyPhen-2: "Probably Damaging"; Align-GVGD: "Class C0"). This variant has not been reported in the literature in individuals affected with PLAA-related conditions. This variant is present in population databases (rs566272935, ExAC 0.01%). This sequence change replaces alanine with valine at codon 156 of the PLAA protein (p.Ala156Val). The alanine residue is highly conserved and there is a small physicochemical difference between alanine and valine. In summary, the available evidence is currently insufficient to determine the role of this variant in disease. Therefore, it has been classified as a Variant of Uncertain Significance.